The following is an entry in ClinVar:

ClinVar aggregate classification (germline): Likely pathogenic (1 of 4 stars; one submission).

Conditions:
Bethlem myopathy 1B (BTHLM1B). Identifiers: MedGen C5935580, MONDO:0958233, OMIM 620725.
Ullrich congenital muscular dystrophy 1B (UCMD1B). Identifiers: MedGen C5935582, MONDO:0958235, OMIM 620727.

Submission:

Diagnostics Services (NGS), CSIR - Centre For Cellular And Molecular Biology
Classification: Likely pathogenic for Bethlem myopathy 1B; Ullrich congenital muscular dystrophy 1B. Last evaluated: 2025-09-19. Review status: criteria provided, single submitter. Criteria: ACMG Guidelines, 2015. Collection method: clinical testing. Allele origin: germline. Affected: yes. Observed: 1 variant allele, 1 heterozygote.
Comment: The c.928-2_928-1del variant is not present in publicly available population databases like 1000 Genomes, EVS, gnomAD, Indian Exome Database or our in-house exome database. This variant has neither been published in literature in individuals affected with COL6A2-related conditions nor reported to the clinical databases like Human Genome Mutation Database (HGMD), ClinVar or OMIM, in any affected individuals. Algorithms developed to predict the effect of sequence changes on RNA splicing suggest that this variant can disrupt the consensus splice site. In-silico pathogenicity prediction programs like HSF3.1, MutationTaster2, CADD, Varsome, Franklin etc predicted the variant to be likely deleterious, however these predictions were not confirmed by published functional/translational studies.

NM_001849.4(COL6A2):c.928-2_928-1del

Gene: COL6A2 (collagen type VI alpha 2 chain; plus strand). Cytogenetic location: 21q22.3.
Variant type: Deletion.
Coding change: c.928-2_928-1del on transcript NM_001849.4 (MANE Select); the canonical splice acceptor site of the intron before coding-DNA position 928, 2 bases deleted (AG; older notation c.928-2_928-1delAG).
Molecular consequence: splice acceptor variant.
Genome position (GRCh38, 1-based): chr21:46,116,649-46,116,650, AG deleted. VCF-style (leftmost placement, unchanged base first): chr21-46116648-CAG-C. GRCh37 (hg19) VCF-style: chr21-47536562-CAG-C.
Other names: c.928-2_928-1del (NM_058175.3, NM_058174.3).
Identifiers: ClinVar variation 4279611 (VCV004279611.1).